The following is an entry in ClinVar:

NM_212482.4(FN1):c.5138A>C (p.Gln1713Pro)

Gene: FN1 (fibronectin 1; minus strand). Cytogenetic location: 2q35.
Variant type: single nucleotide variant.
Coding change: c.5138A>C on transcript NM_212482.4 (MANE Select); coding-DNA position 5138, A replaced by C.
Protein change: p.Gln1713Pro; replaces glutamine 1713 with proline.
Molecular consequence: missense variant.
Genome position (GRCh38, 1-based): chr2:215,382,238, T>G on the plus strand (A>C on the coding strand, the complement: FN1 is on the minus strand). VCF-style: chr2-215382238-T-G. GRCh37 (hg19) VCF-style: chr2-216246961-T-G.
Other names: c.5138A>C, p.Gln1713Pro (NM_001306129.2, NM_001306130.2, NM_001365517.2 and 3 more transcripts); c.4865A>C, p.Gln1622Pro (NM_001306131.2, NM_001306132.2, NM_001365518.2 and 7 more transcripts); short protein forms Q1622P, Q1713P.
Identifiers: ClinVar variation 4797740 (VCV004797740.1).
Genomic context (GRCh38, chr2:215,382,238, plus strand): 5'-CTTTGAAAATGGAAACCAAGCAGTGGTTACGTACTGGTTACTGCAGTCTGAACCAGAGGC[T>G]GACTCTCTCCGCTTGGATTCTGAGCATAGACACTAACCACATACTCCACTGTGGGCTGCA-3'
Protein context (NP_997647.2, residues 1703-1723): VYAQNPSGES[Gln1713Pro]PLVQTAVTNI

ClinVar aggregate classification (germline): Uncertain significance (1 of 4 stars; one submission).

Submission:

Labcorp Genetics (formerly Invitae), Labcorp
Classification: Uncertain significance. Last evaluated: 2026-01-11. Review status: criteria provided, single submitter. Criteria: Invitae Variant Classification Sherloc (09022015). Collection method: clinical testing. Allele origin: germline.
Comment: This sequence change replaces glutamine, which is neutral and polar, with proline, which is neutral and non-polar, at codon 1713 of the FN1 protein (p.Gln1713Pro). This variant is not present in population databases (gnomAD no frequency). This variant has not been reported in the literature in individuals affected with FN1-related conditions. An algorithm developed to predict the effect of missense changes on protein structure and function (PolyPhen-2) suggests that this variant is likely to be tolerated. In summary, the available evidence is currently insufficient to determine the role of this variant in disease. Therefore, it has been classified as a Variant of Uncertain Significance.